The following is an entry in ClinVar:

ClinVar aggregate classification (germline): Conflicting classifications of pathogenicity. Review status: criteria provided, conflicting classifications (1 of 4 stars). 2 submissions from 2 submitters: Uncertain significance (1); Likely benign (1). Last evaluated 2024-12-08.

Conditions:
Primary pulmonary hypertension. Also called: Idiopathic pulmonary hypertension. Identifiers: MedGen C0152171.
Inborn genetic diseases. Identifiers: MedGen C0950123, MeSH D030342.

Allele frequency attached by ClinVar (database versions not stated): ExAC 0.00001; gnomAD exomes 0.00005.
gnomAD v4.1: 71 of 1,614,206 alleles (0.0044%); highest among the groups gnomAD compares: Non-Finnish European, 0.006%; no homozygotes.

Submissions (2):

Ambry Genetics
Classification: Uncertain significance for Inborn genetic diseases. Last evaluated: 2024-12-08. Review status: criteria provided, single submitter. Criteria: Ambry Variant Classification Scheme 2023. Collection method: clinical testing. Allele origin: germline.
Comment: The p.L895I variant (also known as c.2683C>A), located in coding exon 12 of the BMPR2 gene, results from a C to A substitution at nucleotide position 2683. The leucine at codon 895 is replaced by isoleucine, an amino acid with highly similar properties. This amino acid position is conserved. In addition, this alteration is predicted to be tolerated by in silico analysis. Based on the available evidence, the clinical significance of this variant remains unclear.

Labcorp Genetics (formerly Invitae), Labcorp
Classification: Likely benign for Primary pulmonary hypertension. Last evaluated: 2023-12-14. Review status: criteria provided, single submitter. Criteria: Invitae Variant Classification Sherloc (09022015). Collection method: clinical testing. Allele origin: germline.

NM_001204.7(BMPR2):c.2683C>A (p.Leu895Ile)

Gene: BMPR2 (bone morphogenetic protein receptor type 2; plus strand). Cytogenetic location: 2q33.2.
Variant type: single nucleotide variant.
Coding change: c.2683C>A on transcript NM_001204.7 (MANE Select); coding-DNA position 2683, C replaced by A.
Protein change: p.Leu895Ile; replaces leucine 895 with isoleucine.
Molecular consequence: missense variant.
Genome position (GRCh38, 1-based): chr2:202,556,348, C>A. VCF-style: chr2-202556348-C-A. GRCh37 (hg19) VCF-style: chr2-203421071-C-A.
Other names: short protein forms L895I.
Identifiers: ClinVar variation 2202086 (VCV002202086.5), dbSNP rs762408726, ClinGen allele CA2061568.